The following is an entry in ClinVar:

ClinVar aggregate classification (germline): Uncertain significance (1 of 4 stars; one submission).

Submission:

CeGaT Center for Human Genetics Tuebingen
Classification: Uncertain significance. Last evaluated: 2023-07-01. Review status: criteria provided, single submitter. Criteria: CeGaT Center For Human Genetics Tuebingen Variant Classification Criteria Version 2. Collection method: clinical testing. Allele origin: germline. Affected: yes. Observed: 1 variant allele.
Comment: MYLK: PM2, BP4

NM_053025.4(MYLK):c.422+6T>G

Gene: MYLK (myosin light chain kinase; minus strand). Cytogenetic location: 3q21.1.
Variant type: single nucleotide variant.
Coding change: c.422+6T>G on transcript NM_053025.4 (MANE Select); 6 bases into the intron after coding-DNA position 422, T replaced by G.
Molecular consequence: intron variant.
Genome position (GRCh38, 1-based): chr3:123,739,947, A>C on the plus strand (T>G on the coding strand, the complement: MYLK is on the minus strand). VCF-style: chr3-123739947-A-C. GRCh37 (hg19) VCF-style: chr3-123458794-A-C.
Other names: c.-107+6T>G (NM_001321309.2); c.422+6T>G (NM_053028.4, NM_053026.4, NM_053027.4).
Identifiers: ClinVar variation 2578948 (VCV002578948.25), dbSNP rs2474634505, ClinGen allele CA2580617910.